The following is an entry in ClinVar:

NM_000059.4(BRCA2):c.9519C>A (p.Cys3173Ter)

Gene: BRCA2 (BRCA2 DNA repair associated; plus strand). Cytogenetic location: 13q13.1.
Variant type: single nucleotide variant.
Coding change: c.9519C>A on transcript NM_000059.4 (MANE Select); coding-DNA position 9519, C replaced by A.
Protein change: p.Cys3173Ter; replaces cysteine 3173 with a stop codon.
Molecular consequence: nonsense.
Genome position (GRCh38, 1-based): chr13:32,396,915, C>A. VCF-style: chr13-32396915-C-A. GRCh37 (hg19) VCF-style: chr13-32971052-C-A.
Other names: c.9423C>A, p.Cys3141Ter (NM_001406719.1); c.9468C>A, p.Cys3156Ter (NM_001406720.1); c.4587C>A, p.Cys1529Ter (NM_001406721.1); c.3102C>A, p.Cys1034Ter (NM_001406722.1); short protein forms C1034*, C1529*, C3141*, C3156*, C3173*.
Identifiers: ClinVar variation 2431309 (VCV002431309.1), dbSNP rs2137658819, ClinGen allele CA387762962.

ClinVar aggregate classification (germline): Pathogenic (1 of 4 stars; one submission).

Conditions:
Breast-ovarian cancer, familial, susceptibility to, 2 (BROVCA2). Also called: BRCA2 Hereditary Breast and Ovarian Cancer. Identifiers: Orphanet 145, MedGen C2675520, MONDO:0012933, OMIM 612555. Disease mechanism: loss of function.

Submission:

Myriad Genetics, Inc.
Classification: Pathogenic for Breast-ovarian cancer, familial, susceptibility to, 2. Last evaluated: 2023-01-17. Review status: criteria provided, single submitter. Criteria: Myriad Autosomal Dominant, Autosomal Recessive and X-Linked Classification Criteria (2023). Collection method: clinical testing. Allele origin: unknown.
Comment: This variant is considered pathogenic. This variant creates a termination codon and is predicted to result in premature protein truncation.